The following is an entry in ClinVar:

NM_001349253.2(SCN11A):c.1848C>T (p.Phe616=)

Gene: SCN11A (sodium voltage-gated channel alpha subunit 11; minus strand). Cytogenetic location: 3p22.2.
Variant type: single nucleotide variant.
Coding change: c.1848C>T on transcript NM_001349253.2 (MANE Select); coding-DNA position 1848, C replaced by T.
Protein change: p.Phe616=; no amino-acid change (phenylalanine 616 retained).
Molecular consequence: synonymous variant.
Genome position (GRCh38, 1-based): chr3:38,900,068, G>A on the plus strand (C>T on the coding strand, the complement: SCN11A is on the minus strand). VCF-style: chr3-38900068-G-A. GRCh37 (hg19) VCF-style: chr3-38941559-G-A.
Other names: c.1848C>T, p.Phe616= (NM_014139.3).
Identifiers: ClinVar variation 796506 (VCV000796506.8), dbSNP rs1460695212, ClinGen allele CA433140859.
Genomic context (GRCh38, chr3:38,900,068, plus strand): 5'-GTAGTGGTAGGGATCGAGCGCAATGATTTTTAGGCACATTTCTGCTATAAAAATGCTAGT[G>A]AAAACCTAGAGTGGGACAAAGAAGAATGAGAGAAGGAAGCTGCGGAGATAACACTTTTAA-3'
Protein context (NP_001336182.1, residues 606-626): EKMLNIGNLV[Phe616=]TSIFIAEMCL

ClinVar aggregate classification (germline): Likely benign. Review status: criteria provided, multiple submitters, no conflicts (2 of 4 stars). 2 submissions from 2 submitters: Likely benign (2). Last evaluated 2026-03-24.

Conditions:
SCN11A-related disorder. Also called: SCN11A-related condition.
Familial episodic pain syndrome with predominantly lower limb involvement. Also called: Episodic pain syndrome, familial, 3. Identifiers: Orphanet 391384, Orphanet 391392, MedGen C3809899, MONDO:0014247, OMIM 615552.
Hereditary sensory and autonomic neuropathy type 7. Also called: Neuropathy, hereditary sensory and autonomic, type VII; HSAN VII. Identifiers: Orphanet 391397, MedGen C3809882, MONDO:0014244, OMIM 615548.

Allele frequency attached by ClinVar (database versions not stated): gnomAD exomes below 0.00001.
gnomAD v4.1: 2 of 1,613,686 alleles (0.00012%); highest among the groups gnomAD compares: South Asian, 0.0011%; no homozygotes.

Submissions (2):

PreventionGenetics, part of Exact Sciences
Classification: Likely benign for SCN11A-related condition. Last evaluated: 2026-03-24. Review status: criteria provided, single submitter. Criteria: ACMG Guidelines, 2015. Collection method: clinical testing. Allele origin: germline.
Comment: This variant is classified as likely benign based on ACMG/AMP sequence variant interpretation guidelines (Richards et al. 2015 PMID: 25741868, with internal and published modifications).

Labcorp Genetics (formerly Invitae), Labcorp
Classification: Likely benign for Familial episodic pain syndrome with predominantly lower limb involvement; Hereditary sensory and autonomic neuropathy type 7. Last evaluated: 2018-12-03. Review status: criteria provided, single submitter. Criteria: Invitae Variant Classification Sherloc (09022015). Collection method: clinical testing. Allele origin: germline.